The following is an entry in ClinVar:

NM_004064.5(CDKN1B):c.157G>A (p.Glu53Lys)

Gene: CDKN1B (cyclin dependent kinase inhibitor 1B; plus strand). Cytogenetic location: 12p13.1.
Variant type: single nucleotide variant.
Coding change: c.157G>A on transcript NM_004064.5 (MANE Select); coding-DNA position 157, G replaced by A.
Protein change: p.Glu53Lys; replaces glutamic acid 53 with lysine.
Molecular consequence: missense variant.
Genome position (GRCh38, 1-based): chr12:12,717,996, G>A. VCF-style: chr12-12717996-G-A. GRCh37 (hg19) VCF-style: chr12-12870930-G-A.
Other names: short protein forms E53K.
Identifiers: ClinVar variation 3223671 (VCV003223671.1), dbSNP rs2136355675, ClinGen allele CA383969043.

ClinVar aggregate classification (germline): Uncertain significance (1 of 4 stars; one submission).

Conditions:
Hereditary cancer-predisposing syndrome. Also called: Tumor predisposition; Hereditary neoplastic syndrome; Hereditary Cancer Syndrome; Neoplastic Syndromes, Hereditary. Identifiers: Orphanet 140162, MedGen C0027672, MeSH D009386, MONDO:0015356.

Allele frequency attached by ClinVar (database versions not stated): gnomAD exomes below 0.00001.
gnomAD v4.1: 1 of 1,614,248 alleles (0.000062%); highest among the groups gnomAD compares: Non-Finnish European, 0.000085%; no homozygotes.

Submission:

Ambry Genetics
Classification: Uncertain significance for Hereditary cancer-predisposing syndrome. Last evaluated: 2024-02-02. Review status: criteria provided, single submitter. Criteria: Ambry Variant Classification Scheme 2023. Collection method: clinical testing. Allele origin: germline.
Comment: The p.E53K variant (also known as c.157G>A), located in coding exon 1 of the CDKN1B gene, results from a G to A substitution at nucleotide position 157. The glutamic acid at codon 53 is replaced by lysine, an amino acid with similar properties. This amino acid position is conserved. In addition, the in silico prediction for this alteration is inconclusive. Based on the available evidence, the clinical significance of this alteration remains unclear.